The following is an entry in ClinVar:

NM_001040108.2(MLH3):c.4027G>A (p.Gly1343Arg)

Gene: MLH3 (mutL homolog 3; minus strand). Cytogenetic location: 14q24.3.
Variant type: single nucleotide variant.
Coding change: c.4027G>A on transcript NM_001040108.2 (MANE Select); coding-DNA position 4027, G replaced by A.
Protein change: p.Gly1343Arg; replaces glycine 1343 with arginine.
Molecular consequence: missense variant.
Genome position (GRCh38, 1-based): chr14:75,022,877, C>T on the plus strand (G>A on the coding strand, the complement: MLH3 is on the minus strand). VCF-style: chr14-75022877-C-T. GRCh37 (hg19) VCF-style: chr14-75489580-C-T.
Other names: c.3955G>A, p.Gly1319Arg (NM_014381.3); short protein forms G1319R, G1343R.
Identifiers: ClinVar variation 965613 (VCV000965613.16), dbSNP rs28757040, ClinGen allele CA7275245.

ClinVar aggregate classification (germline): Uncertain significance. Review status: criteria provided, multiple submitters, no conflicts (2 of 4 stars). 3 submissions from 3 submitters: Uncertain significance (3). Last evaluated 2025-12-12.

Conditions:
Colorectal cancer, hereditary nonpolyposis, type 7. Identifiers: Orphanet 144, MedGen C1858380, MONDO:0013725, OMIM 614385.

Allele frequency attached by ClinVar (database versions not stated): ExAC 0.00001; gnomAD 0.00001 and 0.00003; gnomAD exomes 0.00001; TOPMed 0.00002; 1000 Genomes Project 0.00040; 1000 Genomes Project 30x 0.00047.

Submissions (3):

Labcorp Genetics (formerly Invitae), Labcorp
Classification: Uncertain significance for Colorectal cancer, hereditary nonpolyposis, type 7. Last evaluated: 2025-12-12. Review status: criteria provided, single submitter. Criteria: Invitae Variant Classification Sherloc (09022015). Collection method: clinical testing. Allele origin: germline.
Comment: This sequence change replaces glycine, which is neutral and non-polar, with arginine, which is basic and polar, at codon 1343 of the MLH3 protein (p.Gly1343Arg). This variant is present in population databases (rs28757040, gnomAD 0.004%). This variant has not been reported in the literature in individuals affected with MLH3-related conditions. ClinVar contains an entry for this variant (Variation ID: 965613). An algorithm developed to predict the effect of missense changes on protein structure and function (PolyPhen-2) suggests that this variant is likely to be disruptive. In summary, the available evidence is currently insufficient to determine the role of this variant in disease. Therefore, it has been classified as a Variant of Uncertain Significance.

Ambry Genetics
Classification: Uncertain significance. Last evaluated: 2025-07-29. Review status: criteria provided, single submitter. Criteria: Ambry Variant Classification Scheme 2023. Collection method: clinical testing. Allele origin: germline.
Comment: The p.G1343R variant (also known as c.4027G>A), located in coding exon 10 of the MLH3 gene, results from a G to A substitution at nucleotide position 4027. The glycine at codon 1343 is replaced by arginine, an amino acid with dissimilar properties. This amino acid position is conserved. In addition, this alteration is predicted to be deleterious by in silico analysis. Since supporting evidence is limited at this time, the clinical significance of this alteration remains unclear.

Center for Genomic Medicine, Rigshospitalet, Copenhagen University Hospital
Classification: Uncertain significance. Last evaluated: 2025-03-04. Review status: criteria provided, single submitter. Criteria: ACMG Guidelines, 2015. Collection method: clinical testing. Allele origin: germline.